The following is an entry in ClinVar:

NM_004333.6(BRAF):c.901C>T (p.Pro301Ser)

Gene: BRAF (B-Raf proto-oncogene, serine/threonine kinase; minus strand). Cytogenetic location: 7q34.
Variant type: single nucleotide variant.
Coding change: c.901C>T on transcript NM_004333.6 (MANE Select); coding-DNA position 901, C replaced by T.
Protein change: p.Pro301Ser; replaces proline 301 with serine.
Molecular consequence: missense variant.
Genome position (GRCh38, 1-based): chr7:140,800,441, G>A on the plus strand (C>T on the coding strand, the complement: BRAF is on the minus strand). VCF-style: chr7-140800441-G-A. GRCh37 (hg19) VCF-style: chr7-140500241-G-A.
Other names: c.901C>T, p.Pro301Ser (NM_001354609.2, NM_001374244.1, NM_001374258.1 and 4 more transcripts); c.910C>T, p.Pro304Ser (NM_001378467.1); c.799C>T, p.Pro267Ser (NM_001378470.1); c.745C>T, p.Pro249Ser (NM_001378472.1, NM_001378473.1); c.637C>T, p.Pro213Ser (NM_001378475.1); short protein forms P213S, P249S, P267S, P301S, P304S.
Identifiers: ClinVar variation 1188158 (VCV001188158.9), dbSNP rs34776339, ClinGen allele CA4516878.

ClinVar aggregate classification (germline): Conflicting classifications of pathogenicity. Review status: criteria provided, conflicting classifications (1 of 4 stars). 3 submissions from 3 submitters: Uncertain significance (1); Likely benign (2). Last evaluated 2025-12-03.

Conditions:
RASopathy. Also called: Noonan spectrum disorder; rasopathies. Identifiers: Orphanet 536391, MedGen C5555857, MONDO:0021060.

Allele frequency attached by ClinVar (database versions not stated): gnomAD exomes below 0.00001 and 0.00001; TOPMed below 0.00001; ExAC 0.00001.
gnomAD v4.1: 5 of 1,614,136 alleles (0.00031%); highest among the groups gnomAD compares: South Asian, 0.0011%; no homozygotes.

Submissions (3):

Labcorp Genetics (formerly Invitae), Labcorp
Classification: Uncertain significance for RASopathy. Last evaluated: 2025-12-03. Review status: criteria provided, single submitter. Criteria: Invitae Variant Classification Sherloc (09022015). Collection method: clinical testing. Allele origin: germline.
Comment: This sequence change replaces proline, which is neutral and non-polar, with serine, which is neutral and polar, at codon 301 of the BRAF protein (p.Pro301Ser). This variant is present in population databases (rs34776339, gnomAD 0.003%). This variant has not been reported in the literature in individuals affected with BRAF-related conditions. ClinVar contains an entry for this variant (Variation ID: 1188158). Invitae Evidence Modeling of protein sequence and biophysical properties (such as structural, functional, and spatial information, amino acid conservation, physicochemical variation, residue mobility, and thermodynamic stability) indicates that this missense variant is not expected to disrupt BRAF protein function with a negative predictive value of 95%. In summary, the available evidence is currently insufficient to determine the role of this variant in disease. Therefore, it has been classified as a Variant of Uncertain Significance.

Blueprint Genetics
Classification: Likely benign. Last evaluated: 2022-07-15. Review status: criteria provided, single submitter. Criteria: ACMG Guidelines, 2015. Collection method: clinical testing. Allele origin: germline.

GeneDx
Classification: Likely benign. Last evaluated: 2020-02-24. Review status: criteria provided, single submitter. Criteria: GeneDx Variant Classification Process June 2021. Collection method: clinical testing. Allele origin: germline. Affected: yes.
Comment: In silico analysis, which includes protein predictors and evolutionary conservation, supports that this variant does not alter protein structure/function; The majority of missense variants in this gene are considered pathogenic (Stenson et al., 2014); Has not been previously published as pathogenic or benign to our knowledge